The following is an entry in ClinVar:

NM_032043.3(BRIP1):c.2098-17T>C

Gene: BRIP1 (BRCA1 interacting DNA helicase 1; minus strand). Cytogenetic location: 17q23.2.
Variant type: single nucleotide variant.
Coding change: c.2098-17T>C on transcript NM_032043.3 (MANE Select); 17 bases into the intron before coding-DNA position 2098, T replaced by C.
Molecular consequence: intron variant.
Genome position (GRCh38, 1-based): chr17:61,744,608, A>G on the plus strand (T>C on the coding strand, the complement: BRIP1 is on the minus strand). VCF-style: chr17-61744608-A-G. GRCh37 (hg19) VCF-style: chr17-59821969-A-G.
Identifiers: ClinVar variation 491431 (VCV000491431.13), dbSNP rs1555591574, ClinGen allele CA658684148.

ClinVar aggregate classification (germline): Likely benign. Review status: criteria provided, multiple submitters, no conflicts (2 of 4 stars). 4 submissions from 4 submitters: Likely benign (4). Last evaluated 2025-08-11.

Conditions:
Hereditary cancer-predisposing syndrome. Also called: Tumor predisposition; Neoplastic Syndromes, Hereditary; Hereditary Cancer Syndrome; Hereditary neoplastic syndrome. Identifiers: Orphanet 140162, MedGen C0027672, MeSH D009386, MONDO:0015356.
Fanconi anemia complementation group J. Also called: BRIP1-Related Fanconi Anemia. Identifiers: Orphanet 84, MedGen C1836860, MONDO:0012187, OMIM 609054.
Familial cancer of breast. Also called: BREAST CANCER, FAMILIAL; hereditary breast carcinoma; Hereditary breast cancer. Identifiers: Orphanet 227535, MedGen C0346153, MONDO:0016419, OMIM 114480. Disease mechanism: loss of function.

Submissions (4):

Labcorp Genetics (formerly Invitae), Labcorp
Classification: Likely benign for Familial cancer of breast; Fanconi anemia complementation group J. Last evaluated: 2025-08-11. Review status: criteria provided, single submitter. Criteria: Invitae Variant Classification Sherloc (09022015). Collection method: clinical testing. Allele origin: germline.

Myriad Genetics, Inc.
Classification: Likely benign for Familial cancer of breast. Last evaluated: 2024-09-03. Review status: criteria provided, single submitter. Criteria: Myriad Autosomal Dominant, Autosomal Recessive and X-Linked Classification Criteria (2023). Collection method: clinical testing. Allele origin: unknown.
Comment: This variant is considered likely benign. This variant is intronic and is not expected to impact mRNA splicing.

GeneDx
Classification: Likely benign. Last evaluated: 2017-10-25. Review status: criteria provided, single submitter. Criteria: GeneDx Variant Classification (06012015). Collection method: clinical testing. Allele origin: germline. Affected: yes.
Comment: This variant is considered likely benign or benign based on one or more of the following criteria: it is a conservative change, it occurs at a poorly conserved position in the protein, it is predicted to be benign by multiple in silico algorithms, and/or has population frequency not consistent with disease.

Color Diagnostics, LLC DBA Color Health
Classification: Likely benign for Hereditary cancer-predisposing syndrome. Last evaluated: 2017-03-13. Review status: criteria provided, single submitter. Criteria: ACMG Guidelines, 2015. Collection method: clinical testing. Allele origin: germline.